The following is an entry in ClinVar:

NM_000618.5(IGF1):c.*3971A>G

Genes: IGF1 (insulin like growth factor 1; minus strand), LINC02456 (long intergenic non-protein coding RNA 2456; plus strand). Cytogenetic location: 12q23.2.
Variant type: single nucleotide variant.
Coding change: c.*3971A>G on transcript NM_000618.5 (MANE Select); 3971 bases downstream of the stop codon, A replaced by G.
Molecular consequence: 3 prime UTR variant.
Genome position (GRCh38, 1-based): chr12:102,398,536, T>C on the plus strand (A>G on the coding strand, the complement: IGF1 is on the minus strand). VCF-style: chr12-102398536-T-C. GRCh37 (hg19) VCF-style: chr12-102792314-T-C.
Other names: c.*4005A>G (NM_001111283.3); c.*3971A>G (NM_001111284.2).
Identifiers: ClinVar variation 883778 (VCV000883778.5), dbSNP rs3730192, ClinGen allele CA242629273.
Genomic context (GRCh38, chr12:102,398,536, plus strand): 5'-TTGCCTATAAGATCTTTTTTCCCGCGTTTATTCTCCATGCTCTTGATCAAGTTCAGAAGA[T>C]TGGATAATATATTGCTAATTTTGCTAAGTTTGAGAGCCAACAAAACAATGGAGCCTTCTA-3'

ClinVar aggregate classification (germline): Benign. Review status: criteria provided, multiple submitters, no conflicts (2 of 4 stars). 2 submissions from 2 submitters: Benign (2). Last evaluated 2018-01-12.

Conditions:
Growth delay due to insulin-like growth factor type 1 deficiency (IGF1D). Also called: GROWTH RETARDATION WITH SENSORINEURAL DEAFNESS AND MENTAL RETARDATION; IGF1 DEFICIENCY. Identifiers: Orphanet 73272, MedGen C1837475, MONDO:0012110, OMIM 608747.

Allele frequency attached by ClinVar (database versions not stated): 1000 Genomes Project 30x 0.01156; 1000 Genomes Project 0.01158; TOPMed 0.01569; gnomAD 0.01584 and 0.01586.

Submissions (2):

Illumina Laboratory Services, Illumina
Classification: Benign for Growth delay due to insulin-like growth factor type 1 deficiency. Last evaluated: 2018-01-12. Review status: criteria provided, single submitter. Criteria: ICSL Variant Classification Criteria 13 December 2019. Collection method: clinical testing. Allele origin: germline.
Comment: This variant was observed in the ICSL laboratory as part of a predisposition screen in an ostensibly healthy population. It had not been previously curated by ICSL or reported in the Human Gene Mutation Database (HGMD: prior to June 1st, 2018), and was therefore a candidate for classification through an automated scoring system. Utilizing variant allele frequency, disease prevalence and penetrance estimates, and inheritance mode, an automated score was calculated to assess if this variant is too frequent to cause the disease. Based on the score and internal cut-off values, a variant classified as benign is not then subjected to further curation. The score for this variant resulted in a classification of benign for this disease.

Breakthrough Genomics
Classification: Benign. Review status: criteria provided, single submitter. Criteria: ACMG Guidelines, 2015. Collection method: not provided. Allele origin: germline. Inheritance: Autosomal recessive inheritance. Affected: yes.